The following is an entry in ClinVar:

NM_182914.3(SYNE2):c.8042T>C (p.Val2681Ala)

Gene: SYNE2 (spectrin repeat containing nuclear envelope protein 2; plus strand). Cytogenetic location: 14q23.2.
Variant type: single nucleotide variant.
Coding change: c.8042T>C on transcript NM_182914.3 (MANE Select); coding-DNA position 8042, T replaced by C.
Protein change: p.Val2681Ala; replaces valine 2681 with alanine.
Molecular consequence: missense variant.
Genome position (GRCh38, 1-based): chr14:64,051,955, T>C. VCF-style: chr14-64051955-T-C. GRCh37 (hg19) VCF-style: chr14-64518673-T-C.
Other names: c.8042T>C, p.Val2681Ala (NM_015180.6); short protein forms V2681A.
Identifiers: ClinVar variation 2776021 (VCV002776021.3), dbSNP rs2548318971, ClinGen allele CA389963959.
Genomic context (GRCh38, chr14:64,051,955, plus strand): 5'-GGAACCAAAGCATGATTGCCTTGACCACTGACCTCCAGGCTACCAAGCATGGATTTTCTG[T>C]TTTAAAGGGGCAAGCTGAACTTCAGATGAAGAGGATTTGGGGAGAAAAAGAAAAGAAGAA-3'
Protein context (NP_878918.2, residues 2671-2691): DLQATKHGFS[Val2681Ala]LKGQAELQMK

ClinVar aggregate classification (germline): Uncertain significance (1 of 4 stars; one submission).

Conditions:
Emery-Dreifuss muscular dystrophy 5, autosomal dominant (EDMD5). Also called: EMERY-DREIFUSS MUSCULAR DYSTROPHY 5. Identifiers: Orphanet 261, MedGen C2751805, MONDO:0013072, OMIM 612999.

Submission:

Labcorp Genetics (formerly Invitae), Labcorp
Classification: Uncertain significance for Emery-Dreifuss muscular dystrophy 5, autosomal dominant. Last evaluated: 2024-07-01. Review status: criteria provided, single submitter. Criteria: Invitae Variant Classification Sherloc (09022015). Collection method: clinical testing. Allele origin: germline.
Comment: This sequence change replaces valine, which is neutral and non-polar, with alanine, which is neutral and non-polar, at codon 2681 of the SYNE2 protein (p.Val2681Ala). This variant is not present in population databases (gnomAD no frequency). This variant has not been reported in the literature in individuals affected with SYNE2-related conditions. Algorithms developed to predict the effect of missense changes on protein structure and function output the following: SIFT: "Not Available"; PolyPhen-2: "Benign"; Align-GVGD: "Not Available". The alanine amino acid residue is found in multiple mammalian species, which suggests that this missense change does not adversely affect protein function. In summary, the available evidence is currently insufficient to determine the role of this variant in disease. Therefore, it has been classified as a Variant of Uncertain Significance.